The following is an entry in ClinVar:

NM_000446.7(PON1):c.380T>G (p.Met127Arg)

Gene: PON1 (paraoxonase 1; minus strand). Cytogenetic location: 7q21.3.
Variant type: single nucleotide variant.
Coding change: c.380T>G on transcript NM_000446.7 (MANE Select); coding-DNA position 380, T replaced by G.
Protein change: p.Met127Arg; replaces methionine 127 with arginine.
Molecular consequence: missense variant.
Genome position (GRCh38, 1-based): chr7:95,311,568, A>C on the plus strand (T>G on the coding strand, the complement: PON1 is on the minus strand). VCF-style: chr7-95311568-A-C. GRCh37 (hg19) VCF-style: chr7-94940880-A-C.
Other names: NC_000007.13:g.94940880A>C; short protein forms M127R.
Identifiers: ClinVar variation 2657688 (VCV002657688.25), dbSNP rs144390653, ClinGen allele CA4350298.

ClinVar aggregate classification (germline): Likely benign (1 of 4 stars; one submission).

Allele frequency attached by ClinVar (database versions not stated): ESP Exome Variant Server 0.00100; gnomAD 0.00167; TOPMed 0.00173; gnomAD exomes 0.00177; ExAC 0.00193; 1000 Genomes Project 30x 0.00250; 1000 Genomes Project 0.00260.

Submissions (7):

CeGaT Center for Human Genetics Tuebingen
Classification: Likely benign. Last evaluated: 2025-03-01. Review status: criteria provided, single submitter. Criteria: CeGaT Center For Human Genetics Tuebingen Variant Classification Criteria Version 2. Collection method: clinical testing. Allele origin: germline. Affected: yes. Observed: 2 variant alleles.
Comment: PON1: BP4, BS1

Dr. Peter K. Rogan Lab, Western University
No classification provided (evidence only). Condition: Cervical cancer. Review status: no classification provided. Collection method: in vitro. Allele origin: not applicable. Functional consequence: retained intron. Not counted in ClinVar's aggregate classification.

Dr. Peter K. Rogan Lab, Western University
No classification provided (evidence only). Condition: Hepatocellular carcinoma. Review status: no classification provided. Collection method: in vitro. Allele origin: not applicable. Functional consequence: skipped exon, retained intron. Not counted in ClinVar's aggregate classification.

Dr. Peter K. Rogan Lab, Western University
No classification provided (evidence only). Condition: Nonpapillary renal cell carcinoma. Review status: no classification provided. Collection method: in vitro. Allele origin: not applicable. Functional consequence: retained intron. Not counted in ClinVar's aggregate classification.

Dr. Peter K. Rogan Lab, Western University
No classification provided (evidence only). Condition: Ovarian serous cystadenocarcinoma. Review status: no classification provided. Collection method: in vitro. Allele origin: not applicable. Functional consequence: retained intron. Not counted in ClinVar's aggregate classification.

Dr. Peter K. Rogan Lab, Western University
No classification provided (evidence only). Condition: Ovarian serous cystadenocarcinoma. Review status: no classification provided. Collection method: in vitro. Allele origin: not applicable. Functional consequence: retained intron. Not counted in ClinVar's aggregate classification.

Dr. Peter K. Rogan Lab, Western University
No classification provided (evidence only). Condition: Ovarian cancer. Review status: no classification provided. Collection method: in vitro. Allele origin: not applicable. Functional consequence: skipped exon, retained intron. Not counted in ClinVar's aggregate classification.